The following is an entry in ClinVar:

ClinVar aggregate classification (germline): Pathogenic (1 of 4 stars; one submission).

Conditions:
COG4-congenital disorder of glycosylation. Also called: COG4-CDG; CONGENITAL DISORDER OF GLYCOSYLATION, TYPE IIj; CDG IIj. Identifiers: Orphanet 263501, MedGen C4303552, MONDO:0013281, OMIM 613489.

gnomAD v4.1: 1 of 1,614,048 alleles (0.000062%); highest among the groups gnomAD compares: Non-Finnish European, 0.000085%; no homozygotes.

Submission:

Labcorp Genetics (formerly Invitae), Labcorp
Classification: Pathogenic for COG4-congenital disorder of glycosylation. Last evaluated: 2025-11-25. Review status: criteria provided, single submitter. Criteria: Invitae Variant Classification Sherloc (09022015). Collection method: clinical testing. Allele origin: germline.
Comment: This sequence change creates a premature translational stop signal (p.Trp652*) in the COG4 gene. It is expected to result in an absent or disrupted protein product. Loss-of-function variants in COG4 are known to be pathogenic (PMID: 21185756). This variant is not present in population databases (gnomAD no frequency). This variant has not been reported in the literature in individuals affected with COG4-related conditions. For these reasons, this variant has been classified as Pathogenic.

Literature cited by the submitters: PubMed 21185756.

NM_015386.3(COG4):c.1955G>A (p.Trp652Ter)

Gene: COG4 (component of oligomeric golgi complex 4; minus strand). Cytogenetic location: 16q22.1.
Variant type: single nucleotide variant.
Coding change: c.1955G>A on transcript NM_015386.3 (MANE Select); coding-DNA position 1955, G replaced by A.
Protein change: p.Trp652Ter; replaces tryptophan 652 with a stop codon.
Molecular consequence: nonsense. On other transcripts: non-coding transcript variant (1).
Genome position (GRCh38, 1-based): chr16:70,482,141, C>T on the plus strand (G>A on the coding strand, the complement: COG4 is on the minus strand). VCF-style: chr16-70482141-C-T. GRCh37 (hg19) VCF-style: chr16-70516044-C-T.
Other names: c.1880G>A, p.Trp627Ter (NM_001195139.2); c.1529G>A, p.Trp510Ter (NM_001365426.1); short protein forms W510*, W627*, W652*.
Identifiers: ClinVar variation 4812006 (VCV004812006.1).